The following is an entry in ClinVar:

ClinVar aggregate classification (germline): Likely benign (0 of 4 stars; one submission).

Conditions:
PREX1-related disorder. Also called: PREX1-related condition.

Allele frequency attached by ClinVar (database versions not stated): ESP Exome Variant Server 0.00046; 1000 Genomes Project 0.00060; 1000 Genomes Project 30x 0.00062.
gnomAD v4.1: 128 of 1,614,120 alleles (0.0079%); highest among the groups gnomAD compares: African/African-American, 0.16%; 1 homozygote.

Submission:

PreventionGenetics, part of Exact Sciences
Classification: Likely benign for PREX1-related condition. Last evaluated: 2023-02-28. Review status: no assertion criteria provided. Collection method: clinical testing. Allele origin: germline.
Comment: This variant is classified as likely benign based on ACMG/AMP sequence variant interpretation guidelines (Richards et al. 2015 PMID: 25741868, with internal and published modifications).

NM_020820.4(PREX1):c.346G>T (p.Ala116Ser)

Gene: PREX1 (phosphatidylinositol-3,4,5-trisphosphate dependent Rac exchange factor 1; minus strand). Cytogenetic location: 20q13.13.
Variant type: single nucleotide variant.
Coding change: c.346G>T on transcript NM_020820.4 (MANE Select); coding-DNA position 346, G replaced by T.
Protein change: p.Ala116Ser; replaces alanine 116 with serine.
Molecular consequence: missense variant.
Genome position (GRCh38, 1-based): chr20:48,745,093, C>A on the plus strand (G>T on the coding strand, the complement: PREX1 is on the minus strand). VCF-style: chr20-48745093-C-A. GRCh37 (hg19) VCF-style: chr20-47361630-C-A.
Other names: short protein forms A116S.
Identifiers: ClinVar variation 3054151 (VCV003054151.2), dbSNP rs145026241, ClinGen allele CA9897941.